The following is an entry in ClinVar:

NM_007294.4(BRCA1):c.238A>G (p.Ser80Gly)

Gene: BRCA1 (BRCA1 DNA repair associated; minus strand). Cytogenetic location: 17q21.31.
Variant type: single nucleotide variant.
Coding change: c.238A>G on transcript NM_007294.4 (MANE Select); coding-DNA position 238, A replaced by G.
Protein change: p.Ser80Gly; replaces serine 80 with glycine.
Molecular consequence: missense variant. On other transcripts: non-coding transcript variant (1).
Genome position (GRCh38, 1-based): chr17:43,104,931, T>C on the plus strand (A>G on the coding strand, the complement: BRCA1 is on the minus strand). VCF-style: chr17-43104931-T-C. GRCh37 (hg19) VCF-style: chr17-41256948-T-C.
Other names: c.28A>G, p.Ser10Gly (NM_001407571.1, NM_001407853.1, NM_001407879.1 and 58 more transcripts); c.238A>G, p.Ser80Gly (NM_001407581.1, NM_001407582.1, NM_001407583.1 and 168 more transcripts); c.160A>G, p.Ser54Gly (NM_001407653.1, NM_001407654.1, NM_001407655.1 and 21 more transcripts); c.97A>G, p.Ser33Gly (NM_001407692.1, NM_001407694.1, NM_001407695.1 and 99 more transcripts); c.-144A>G (NM_001407959.1, NM_001407960.1, NM_001407962.1 and 4 more transcripts); c.106A>G, p.Ser36Gly (NM_001408451.1); short protein forms S33G, S80G, S10G, S36G, S54G.
Identifiers: ClinVar variation 865313 (VCV000865313.14), dbSNP rs2054690791, ClinGen allele CA10601682.

ClinVar aggregate classification (germline): Uncertain significance. Review status: criteria provided, multiple submitters, no conflicts (2 of 4 stars). 2 submissions from 2 submitters: Uncertain significance (2). Last evaluated 2025-09-02.

Conditions:
Hereditary breast ovarian cancer syndrome. Also called: Hereditary breast and/or ovarian cancer syndrome; BRCA1- and BRCA2-Associated Hereditary Breast and Ovarian Cancer; Hereditary breast and ovarian cancer syndrome; Hereditary breast and ovarian cancer; Hereditary breast and ovarian cancer syndrome (HBOC); Breast and ovarian cancer. Identifiers: Orphanet 145, MedGen C0677776, MeSH D061325, MONDO:0003582. Disease mechanism: loss of function.

Submissions (3):

Labcorp Genetics (formerly Invitae), Labcorp
Classification: Uncertain significance for Hereditary breast ovarian cancer syndrome. Last evaluated: 2025-09-02. Review status: criteria provided, single submitter. Criteria: Invitae Variant Classification Sherloc (09022015). Collection method: clinical testing. Allele origin: germline.
Comment: This sequence change replaces serine, which is neutral and polar, with glycine, which is neutral and non-polar, at codon 80 of the BRCA1 protein (p.Ser80Gly). This variant is not present in population databases (gnomAD no frequency). This variant has not been reported in the literature in individuals affected with BRCA1-related conditions. ClinVar contains an entry for this variant (Variation ID: 865313). Invitae Evidence Modeling incorporating data from in vitro experimental studies (PMID: 30209399) indicates that this missense variant is not expected to disrupt BRCA1 function with a negative predictive value of 95%. Experimental studies have shown that this missense change does not substantially affect BRCA1 function (PMID: 30209399). Algorithms developed to predict the effect of sequence changes on RNA splicing suggest that this variant may create or strengthen a splice site. In summary, the available evidence is currently insufficient to determine the role of this variant in disease. Therefore, it has been classified as a Variant of Uncertain Significance.

Women's Health and Genetics/Laboratory Corporation of America, LabCorp
Classification: Uncertain significance. Last evaluated: 2019-10-10. Review status: criteria provided, single submitter. Criteria: LabCorp Variant Classification Summary - May 2015. Collection method: clinical testing. Allele origin: germline.
Comment: Variant summary: BRCA1 c.238A>G (p.Ser80Gly) results in a non-conservative amino acid change in the encoded protein sequence. Three of five in-silico tools predict a damaging effect of the variant on protein function. The variant was absent in 251192 control chromosomes (gnomAD). The available data on variant occurrences in the general population are insufficient to allow any conclusion about variant significance. To our knowledge, no occurrence of c.238A>G in individuals affected with Hereditary Breast and Ovarian Cancer and no experimental evidence demonstrating its impact on protein function have been reported. Co-occurrence with another pathogenic variant has been reported (BRCA1 c.191G>A, p.Cys64Tyr; internal sample), providing supporting evidence for a benign role. No clinical diagnostic laboratories have submitted clinical-significance assessments for this variant to ClinVar after 2014. Based on the evidence outlined above, the variant was classified as VUS-possibly benign.

Brotman Baty Institute, University of Washington
No classification provided (evidence only). Condition: Breast-ovarian cancer, familial 1. Review status: no classification provided. Collection method: in vitro. Allele origin: not applicable. Functional consequence: functionally_normal. Not counted in ClinVar's aggregate classification.
ClinVar note: "not provided" was previously submitted as the classification for the variant. However, the classification appeared to be based only on an observation of functional data so it was converted to no classification on 2025-07-30.

Literature cited by the submitters: PubMed 30209399 (cited by Labcorp Genetics (formerly Invitae), Labcorp).